The following is an entry in ClinVar:

ClinVar aggregate classification (germline): Likely benign (1 of 4 stars; one submission).

Allele frequency attached by ClinVar (database versions not stated): 1000 Genomes Project 0.00319; 1000 Genomes Project 30x 0.00328; gnomAD 0.00535; ExAC 0.00622; ESP Exome Variant Server 0.00677.
gnomAD v4.1: 12,539 of 1,606,724 alleles (0.78%); highest among the groups gnomAD compares: Non-Finnish European, 0.94%; 67 homozygotes.

Submission:

CeGaT Center for Human Genetics Tuebingen
Classification: Likely benign. Last evaluated: 2022-07-01. Review status: criteria provided, single submitter. Criteria: CeGaT Center For Human Genetics Tuebingen Variant Classification Criteria Version 2. Collection method: clinical testing. Allele origin: germline. Affected: yes. Observed: 1 variant allele.
Comment: GRAMD1C: BP4, BS2

NM_017577.5(GRAMD1C):c.1087A>C (p.Ile363Leu)

Gene: GRAMD1C (GRAM domain containing 1C; plus strand). Cytogenetic location: 3q13.31.
Variant type: single nucleotide variant.
Coding change: c.1087A>C on transcript NM_017577.5 (MANE Select); coding-DNA position 1087, A replaced by C.
Protein change: p.Ile363Leu; replaces isoleucine 363 with leucine.
Molecular consequence: missense variant.
Genome position (GRCh38, 1-based): chr3:113,915,835, A>C. VCF-style: chr3-113915835-A-C. GRCh37 (hg19) VCF-style: chr3-113634682-A-C.
Other names: c.472A>C, p.Ile158Leu (NM_001172105.2); short protein forms I158L, I363L.
Identifiers: ClinVar variation 2654052 (VCV002654052.24), dbSNP rs78547874, ClinGen allele CA2548536.
Genomic context (GRCh38, chr3:113,915,835, plus strand): 5'-TTTGAATTGCTCTTTACCAGTTCACGCTTTATGCAGAAATTTGCCAGTTCTAGAAATATA[A>C]TAGGTTAGTCCTTGTGTTCTTACCTAATGATAAATTTGGGAGAATGCTATTATTCTTAGA-3'
Protein context (NP_060047.3, residues 353-373): MQKFASSRNI[Ile363Leu]DVVSTPWTAE